The following is an entry in ClinVar:

NM_001943.5(DSG2):c.716T>C (p.Val239Ala)

Gene: DSG2 (desmoglein 2; plus strand). Cytogenetic location: 18q12.1.
Variant type: single nucleotide variant.
Coding change: c.716T>C on transcript NM_001943.5 (MANE Select); coding-DNA position 716, T replaced by C.
Protein change: p.Val239Ala; replaces valine 239 with alanine.
Molecular consequence: missense variant.
Genome position (GRCh38, 1-based): chr18:31,524,473, T>C. VCF-style: chr18-31524473-T-C. GRCh37 (hg19) VCF-style: chr18-29104436-T-C.
Other names: short protein forms V239A.
Identifiers: ClinVar variation 44326 (VCV000044326.33), dbSNP rs200997703, ClinGen allele CA022244.

ClinVar aggregate classification (germline): Conflicting classifications of pathogenicity. Review status: criteria provided, conflicting classifications (1 of 4 stars). 9 submissions from 9 submitters: Uncertain significance (4); Likely benign (5). Last evaluated 2026-06-02.

Conditions:
Cardiovascular phenotype. Identifiers: MedGen CN230736.
Cardiomyopathy (CMYO). Also called: Cardiomyopathies. Identifiers: Orphanet 167848, MedGen C0878544, MONDO:0004994, HP:0001638. Inheritance: Various modes of inheritance.
Arrhythmogenic right ventricular dysplasia 10. Also called: Arrhythmogenic Right Ventricular Dysplasia/Cardiomyopathy10; Arrhythmogenic right ventricular dysplasia/cardiomyopathy, type 10; ARRHYTHMOGENIC RIGHT VENTRICULAR DYSPLASIA, FAMILIAL, 10. Identifiers: MedGen C1857777, MONDO:0012434, OMIM 610193.
Primary dilated cardiomyopathy (DCM). Also called: Dilated Cardiomyopathy. Identifiers: Orphanet 217604, MedGen C0007193, MeSH D002311, MONDO:0005021, HP:0001644. Inheritance: Various modes of inheritance.

Allele frequency attached by ClinVar (database versions not stated): gnomAD exomes 0.00009 and 0.00003; TOPMed 0.00032; ExAC 0.00009; ESP Exome Variant Server 0.00025; gnomAD 0.00032 and 0.00037.

Submissions (9):

Women's Health and Genetics/Laboratory Corporation of America, LabCorp
Classification: Likely benign. Last evaluated: 2026-06-02. Review status: criteria provided, single submitter. Criteria: LabCorp Variant Classification Summary - May 2015. Collection method: clinical testing. Allele origin: germline.
Comment: Variant summary: DSG2 c.716T>C (p.Val239Ala) results in a non-conservative amino acid change located in the Cadherin-like domain (IPR002126) of the encoded protein sequence. Algorithms developed to predict the effect of missense changes on protein structure and function all suggest that this variant is likely to be disruptive. The variant allele was found at a frequency of 9.2e-05 in 249058 control chromosomes, predominantly at a frequency of 0.0014 within the African or African-American subpopulation in the gnomAD database. The observed variant frequency within African or African-American control individuals in the gnomAD database exceeds the estimated maximal expected allele frequency for disease-causing variants in DSG2. c.716T>C has been observed in individuals affected with Arrhythmogenic Right Ventricular Dysplasia/Cardiomyopathy (e.g. Quarta_2011) or Dilated Cardiomyopathy (e.g. Seidelmann_2017, Al-Shafai_2021) without strong evidence for causality. These report(s) do not provide unequivocal conclusions about association of the variant with Arrhythmogenic Right Ventricular Dysplasia/Cardiomyopathy. To our knowledge, no experimental evidence demonstrating an impact on protein function has been reported. The following publications have been ascertained in the context of this evaluation (PMID: 34137518, 21606390, 30615648, 28087566). ClinVar contains an entry for this variant (Variation ID: 44326). Based on the evidence outlined above, the variant was classified as likely benign.

Labcorp Genetics (formerly Invitae), Labcorp
Classification: Likely benign for Arrhythmogenic right ventricular dysplasia 10. Last evaluated: 2026-02-01. Review status: criteria provided, single submitter. Criteria: Invitae Variant Classification Sherloc (09022015). Collection method: clinical testing. Allele origin: germline.

Dasa
Classification: Likely benign. Last evaluated: 2025-12-03. Review status: criteria provided, single submitter. Criteria: DASA Assertion Criteria. Collection method: clinical testing. Allele origin: germline.
Comment: NM_001943.5(DSG2):c.716T>C (p.Val239Ala) is a missense variant that results in the substitution of valine with alanine. Population frequency is inconsistent with a disease-causing role for this variant. Therefore, based on the currently available evidence, this variant is classified as likely benign.

GeneDx
Classification: Uncertain significance. Last evaluated: 2025-05-14. Review status: criteria provided, single submitter. Criteria: GeneDx Variant Classification Process June 2021. Collection method: clinical testing. Allele origin: germline. Affected: yes.
Comment: In silico analysis supports that this missense variant has a deleterious effect on protein structure/function; This variant is associated with the following publications: (PMID: 23299917, 31402444, 21606390)

Ambry Genetics
Classification: Likely benign for Cardiovascular phenotype. Last evaluated: 2020-07-20. Review status: criteria provided, single submitter. Criteria: Ambry Variant Classification Scheme 2023. Collection method: clinical testing. Allele origin: germline.

Color Diagnostics, LLC DBA Color Health
Classification: Likely benign for Cardiomyopathy. Last evaluated: 2020-02-21. Review status: criteria provided, single submitter. Criteria: ACMG Guidelines, 2015. Collection method: clinical testing. Allele origin: germline.

Stanford Center for Inherited Cardiovascular Disease, Stanford University
Classification: Uncertain significance. Last evaluated: 2016-05-11. Review status: criteria provided, single submitter. Criteria: ACMG Guidelines, 2015. Collection method: provider interpretation. Allele origin: germline.

Laboratory for Molecular Medicine, Mass General Brigham Personalized Medicine
Classification: Uncertain significance. Last evaluated: 2012-05-31. Review status: criteria provided, single submitter. Criteria: LMM Criteria. Collection method: clinical testing. Allele origin: germline. Observed: 1 variant allele.
Comment: The Val239Ala variant in DSG2 has been reported in 1 individual with ARVC and wa s absent from 600 control chromosomes (Quarta 2011). This variant has also been identified in 2/3136 African American chromosomes from a broad population by the NHLBI Exome Sequencing Project. Valine (Val) at position 239 is highly conserved in mammal and evolutionarily distant specie s, though computational analyses (biochemical amino acid properties, AlignGVGD, PolyPhen2, and SIFT) do not provide strong support for or against an impact to t he protein. Additional information is needed to fully assess the clinical signif icance of the Val239Ala variant.

Genetics and Genomics Program, Sidra Medicine
Classification: Uncertain significance for Primary dilated cardiomyopathy. Review status: criteria provided, single submitter. Criteria: ACMG Guidelines, 2015. Collection method: research. Allele origin: unknown. Affected: yes. Observed: 1 variant allele.

Literature cited by the submitters: PubMed 21606390 (cited by 3 submitters); PubMed 28087566 (cited by Women's Health and Genetics/Laboratory Corporation of America, LabCorp and Ambry Genetics); PubMed 30615648 (cited by Women's Health and Genetics/Laboratory Corporation of America, LabCorp); PubMed 34137518 (cited by Women's Health and Genetics/Laboratory Corporation of America, LabCorp); PubMed 23299917 (cited by Ambry Genetics); PubMed 25059832 (cited by Ambry Genetics); PubMed 29802319 (cited by Ambry Genetics); PubMed 30885746 (cited by Ambry Genetics).